The following is an entry in ClinVar:

NM_013339.4(ALG6):c.-235_-217dup

Genes: ALG6 (ALG6 alpha-1,3-glucosyltransferase; plus strand), LOC129930665 (ATAC-STARR-seq lymphoblastoid silent region 950; plus strand). Cytogenetic location: 1p31.3.
Variant type: Duplication.
Coding change: c.-235_-217dup on transcript NM_013339.4 (MANE Select); 235 bases upstream of the start codon through 217 bases upstream of the start codon, 19 bases duplicated (CGAATCCCAGCGGCCGGCG).
Molecular consequence: 5 prime UTR variant.
Genome position (GRCh38, 1-based): chr1:63,367,660-63,367,678, CGAATCCCAGCGGCCGGCG duplicated; duplicating any 19 consecutive bases within chr1:63,367,656-63,367,678 gives the same sequence; the c. name uses the placement nearest the transcript's 3' end. VCF-style (leftmost placement, unchanged base first): chr1-63367655-A-AGGCGCGAATCCCAGCGGCC. GRCh37 (hg19) VCF-style: chr1-63833326-A-AGGCGCGAATCCCAGCGGCC.
Identifiers: ClinVar variation 676676 (VCV000676676.1), dbSNP rs1208677457, ClinGen allele CA523556392.
Genomic context (GRCh38, chr1:63,367,655, plus strand): 5'-GGCCGGAGGGGCAGTCCGCCGCGGGGGCGAGCGCGCATGCGCCTTCCTGGGACCCACGGC[A>AGGCGCGAATCCCAGCGGCC]GGCGCGAATCCCAGCGGCCGGCGGGCGGCGGGGTAAGAGCATGGGATCCCGGAGGTTCCG-3'

ClinVar aggregate classification (germline): Likely benign (1 of 4 stars; one submission).

Submission:

GeneDx
Classification: Likely benign. Last evaluated: 2018-03-16. Review status: criteria provided, single submitter. Criteria: GeneDx Variant Classification (06012015). Collection method: clinical testing. Allele origin: germline. Affected: yes.
Comment: This variant is considered likely benign or benign based on one or more of the following criteria: it is a conservative change, it occurs at a poorly conserved position in the protein, it is predicted to be benign by multiple in silico algorithms, and/or has population frequency not consistent with disease.